The following is an entry in ClinVar:

NM_000883.4(IMPDH1):c.1668C>T (p.Ile556=)

Gene: IMPDH1 (inosine monophosphate dehydrogenase 1; minus strand). Cytogenetic location: 7q32.1.
Variant type: single nucleotide variant.
Coding change: c.1668C>T on transcript NM_000883.4 (MANE Select); coding-DNA position 1668, C replaced by T.
Protein change: p.Ile556=; no amino-acid change (isoleucine 556 retained).
Molecular consequence: synonymous variant.
Genome position (GRCh38, 1-based): chr7:128,394,482, G>A on the plus strand (C>T on the coding strand, the complement: IMPDH1 is on the minus strand). VCF-style: chr7-128394482-G-A. GRCh37 (hg19) VCF-style: chr7-128034536-G-A.
Other names: c.1638C>T, p.Ile546= (NM_001102605.2); c.1413C>T, p.Ile471= (NM_001142573.2); c.1398C>T, p.Ile466= (NM_001142574.2); c.1338C>T, p.Ile446= (NM_001142575.2); c.1569C>T, p.Ile523= (NM_001142576.2); c.1461C>T, p.Ile487= (NM_001304521.2); c.1560C>T, p.Ile520= (NM_183243.3).
Identifiers: ClinVar variation 711446 (VCV000711446.16), dbSNP rs201803921, ClinGen allele CA4470760.

ClinVar aggregate classification (germline): Conflicting classifications of pathogenicity. Review status: criteria provided, conflicting classifications (1 of 4 stars). 6 submissions from 5 submitters: Uncertain significance (1); Benign (1); Likely benign (2). 2 of the submissions do not count toward it. Last evaluated 2026-01-19.

Conditions:
Retinitis pigmentosa (RP). Identifiers: Orphanet 791, MedGen C0035334, MeSH D012174, MONDO:0019200, OMIM 268000. Inheritance: Autosomal dominant, autosomal recessive and X linked inheritance.
Leber congenital amaurosis 11 (LCA11). Identifiers: Orphanet 65, MedGen C1840284, MONDO:0013454, OMIM 613837.

Allele frequency attached by ClinVar (database versions not stated): ESP Exome Variant Server 0.00008; TOPMed 0.00009; gnomAD 0.00019; 1000 Genomes Project 0.00020; 1000 Genomes Project 30x 0.00047.
gnomAD v4.1: 337 of 1,614,026 alleles (0.021%); highest among the groups gnomAD compares: Non-Finnish European, 0.022%; no homozygotes.

Submissions (6):

Labcorp Genetics (formerly Invitae), Labcorp
Classification: Benign. Last evaluated: 2026-01-19. Review status: criteria provided, single submitter. Criteria: Invitae Variant Classification Sherloc (09022015). Collection method: clinical testing. Allele origin: germline.

Blueprint Genetics
Classification: Likely benign. Last evaluated: 2024-11-18. Review status: criteria provided, single submitter. Criteria: ACMG Guidelines, 2015. Collection method: clinical testing. Allele origin: germline.

Illumina Laboratory Services, Illumina
Classification: Uncertain significance for Leber congenital amaurosis 11. Last evaluated: 2018-01-13. Review status: criteria provided, single submitter. Criteria: ICSL Variant Classification Criteria 13 December 2019. Collection method: clinical testing. Allele origin: germline.

Illumina Laboratory Services, Illumina
Classification: Likely benign for Retinitis pigmentosa. Last evaluated: 2018-01-13. Review status: criteria provided, single submitter. Criteria: ICSL Variant Classification Criteria 13 December 2019. Collection method: clinical testing. Allele origin: germline.
Comment: This variant was observed in the ICSL laboratory as part of a predisposition screen in an ostensibly healthy population. It had not been previously curated by ICSL or reported in the Human Gene Mutation Database (HGMD: prior to June 1st, 2018), and was therefore a candidate for classification through an automated scoring system. Utilizing variant allele frequency, disease prevalence and penetrance estimates, and inheritance mode, an automated score was calculated to assess if this variant is too frequent to cause the disease. Based on the score and internal cut-off values, a variant classified as likely benign is not then subjected to further curation. The score for this variant resulted in a classification of likely benign for this disease.

Clinical Genetics DNA and cytogenetics Diagnostics Lab, Erasmus MC, Erasmus Medical Center
Classification: Likely benign. Review status: no assertion criteria provided. Collection method: clinical testing. Allele origin: germline. Affected: yes. Study: VKGL Data-share Consensus. Not counted in ClinVar's aggregate classification.

Clinical Genetics, Academic Medical Center
Classification: Benign. Review status: no assertion criteria provided. Collection method: clinical testing. Allele origin: germline. Affected: yes. Study: VKGL Data-share Consensus. Not counted in ClinVar's aggregate classification.